The following is an entry in ClinVar:

ClinVar aggregate classification (germline): Uncertain significance. Review status: criteria provided, multiple submitters, no conflicts (2 of 4 stars). 2 submissions from 2 submitters: Uncertain significance (2). Last evaluated 2024-08-23.

gnomAD v4.1: 4 of 1,614,124 alleles (0.00025%); highest among the groups gnomAD compares: Non-Finnish European, 0.000085%; no homozygotes.

Submissions (2):

GeneDx
Classification: Uncertain significance. Last evaluated: 2024-08-23. Review status: criteria provided, single submitter. Criteria: GeneDx Variant Classification Process June 2021. Collection method: clinical testing. Allele origin: germline. Affected: yes.
Comment: Not observed at significant frequency in large population cohorts (gnomAD); In silico analysis supports that this missense variant has a deleterious effect on protein structure/function; Has not been previously published as pathogenic or benign to our knowledge

Blueprint Genetics
Classification: Uncertain significance. Last evaluated: 2019-09-27. Review status: criteria provided, single submitter. Criteria: ACMG Guidelines, 2015. Collection method: clinical testing. Allele origin: germline.

NM_206933.4(USH2A):c.12239G>T (p.Gly4080Val)

Gene: USH2A (usherin; minus strand). Cytogenetic location: 1q41.
Variant type: single nucleotide variant.
Coding change: c.12239G>T on transcript NM_206933.4 (MANE Select); coding-DNA position 12239, G replaced by T.
Protein change: p.Gly4080Val; replaces glycine 4080 with valine.
Molecular consequence: missense variant.
Genome position (GRCh38, 1-based): chr1:215,680,204, C>A on the plus strand (G>T on the coding strand, the complement: USH2A is on the minus strand). VCF-style: chr1-215680204-C-A. GRCh37 (hg19) VCF-style: chr1-215853546-C-A.
Other names: short protein forms G4080V.
Identifiers: ClinVar variation 3764419 (VCV003764419.2).